The following is an entry in ClinVar:

NM_001256789.3(CACNA1F):c.1514G>C (p.Arg505Pro)

Gene: CACNA1F (calcium voltage-gated channel subunit alpha1 F; minus strand). Cytogenetic location: Xp11.23.
Variant type: single nucleotide variant.
Coding change: c.1514G>C on transcript NM_001256789.3 (MANE Select); coding-DNA position 1514, G replaced by C.
Protein change: p.Arg505Pro; replaces arginine 505 with proline.
Molecular consequence: missense variant.
Genome position (GRCh38, 1-based): chrX:49,226,046, C>G on the plus strand (G>C on the coding strand, the complement: CACNA1F is on the minus strand). VCF-style: chrX-49226046-C-G. GRCh37 (hg19) VCF-style: chrX-49082508-C-G.
Other names: c.1352G>C, p.Arg451Pro (NM_001256790.3); c.1547G>C, p.Arg516Pro (NM_005183.4); short protein forms R505P, R451P, R516P.
Identifiers: ClinVar variation 2763007 (VCV002763007.3), dbSNP rs782235108, ClinGen allele CA412916609.

ClinVar aggregate classification (germline): Uncertain significance (1 of 4 stars; one submission).

gnomAD v4.1: 2 of 1,190,467 alleles (0.00017%); highest among the groups gnomAD compares: South Asian, 0.0018%; no homozygotes.

Submission:

Labcorp Genetics (formerly Invitae), Labcorp
Classification: Uncertain significance. Last evaluated: 2023-09-23. Review status: criteria provided, single submitter. Criteria: Invitae Variant Classification Sherloc (09022015). Collection method: clinical testing. Allele origin: germline.
Comment: This sequence change replaces arginine, which is basic and polar, with proline, which is neutral and non-polar, at codon 516 of the CACNA1F protein (p.Arg516Pro). This variant is not present in population databases (gnomAD no frequency). This variant has not been reported in the literature in individuals affected with CACNA1F-related conditions. Advanced modeling of protein sequence and biophysical properties (such as structural, functional, and spatial information, amino acid conservation, physicochemical variation, residue mobility, and thermodynamic stability) performed at Invitae indicates that this missense variant is not expected to disrupt CACNA1F protein function. In summary, the available evidence is currently insufficient to determine the role of this variant in disease. Therefore, it has been classified as a Variant of Uncertain Significance.